The following is an entry in ClinVar:

NM_004963.4(GUCY2C):c.2073G>T (p.Lys691Asn)

Gene: GUCY2C (guanylate cyclase 2C; minus strand). Cytogenetic location: 12p12.3.
Variant type: single nucleotide variant.
Coding change: c.2073G>T on transcript NM_004963.4 (MANE Select); coding-DNA position 2073, G replaced by T.
Protein change: p.Lys691Asn; replaces lysine 691 with asparagine.
Molecular consequence: missense variant.
Genome position (GRCh38, 1-based): chr12:14,639,946, C>A on the plus strand (G>T on the coding strand, the complement: GUCY2C is on the minus strand). VCF-style: chr12-14639946-C-A. GRCh37 (hg19) VCF-style: chr12-14792880-C-A.
Other names: c.2073G>T (NM_004963.3); short protein forms K691N.
Identifiers: ClinVar variation 1461028 (VCV001461028.7), dbSNP rs747158865, ClinGen allele CA6463185.

ClinVar aggregate classification (germline): Uncertain significance. Review status: criteria provided, multiple submitters, no conflicts (2 of 4 stars). 2 submissions from 2 submitters: Uncertain significance (2). Last evaluated 2025-12-08.

Conditions:
Inborn genetic diseases. Identifiers: MedGen C0950123, MeSH D030342.

Allele frequency attached by ClinVar (database versions not stated): gnomAD 0.00001; ExAC 0.00002; gnomAD exomes 0.00002; TOPMed 0.00002.
gnomAD v4.1: 24 of 1,594,182 alleles (0.0015%); highest among the groups gnomAD compares: Middle Eastern, 0.017%; no homozygotes.

Submissions (2):

Labcorp Genetics (formerly Invitae), Labcorp
Classification: Uncertain significance. Last evaluated: 2025-12-08. Review status: criteria provided, single submitter. Criteria: Invitae Variant Classification Sherloc (09022015). Collection method: clinical testing. Allele origin: germline.
Comment: This sequence change replaces lysine, which is basic and polar, with asparagine, which is neutral and polar, at codon 691 of the GUCY2C protein (p.Lys691Asn). This variant is present in population databases (rs747158865, gnomAD 0.003%). This variant has not been reported in the literature in individuals affected with GUCY2C-related conditions. ClinVar contains an entry for this variant (Variation ID: 1461028). Invitae Evidence Modeling of protein sequence and biophysical properties (such as structural, functional, and spatial information, amino acid conservation, physicochemical variation, residue mobility, and thermodynamic stability) indicates that this missense variant is expected to disrupt GUCY2C protein function with a positive predictive value of 80%. In summary, the available evidence is currently insufficient to determine the role of this variant in disease. Therefore, it has been classified as a Variant of Uncertain Significance.

Ambry Genetics
Classification: Uncertain significance for Inborn genetic diseases. Last evaluated: 2024-09-01. Review status: criteria provided, single submitter. Criteria: Ambry Variant Classification Scheme 2023. Collection method: clinical testing. Allele origin: germline.